The following is an entry in ClinVar:

NM_000384.3(APOB):c.7418C>G (p.Thr2473Ser)

Gene: APOB (apolipoprotein B; minus strand). Cytogenetic location: 2p24.1.
Variant type: single nucleotide variant.
Coding change: c.7418C>G on transcript NM_000384.3 (MANE Select); coding-DNA position 7418, C replaced by G.
Protein change: p.Thr2473Ser; replaces threonine 2473 with serine.
Molecular consequence: missense variant.
Genome position (GRCh38, 1-based): chr2:21,009,450, G>C on the plus strand (C>G on the coding strand, the complement: APOB is on the minus strand). VCF-style: chr2-21009450-G-C. GRCh37 (hg19) VCF-style: chr2-21232322-G-C.
Other names: short protein forms T2473S.
Identifiers: ClinVar variation 3933963 (VCV003933963.2).

ClinVar aggregate classification (germline): Uncertain significance (1 of 4 stars; one submission).

Conditions:
Cardiovascular phenotype. Identifiers: MedGen CN230736.

Submission:

Ambry Genetics
Classification: Uncertain significance for Cardiovascular phenotype. Last evaluated: 2026-09-11. Review status: criteria provided, single submitter. Criteria: Ambry Variant Classification Scheme 2023. Collection method: clinical testing. Allele origin: germline.
Comment: The p.T2473S variant (also known as c.7418C>G), located in coding exon 26 of the APOB gene, results from a C to G substitution at nucleotide position 7418. The threonine at codon 2473 is replaced by serine, an amino acid with similar properties. This amino acid position is conserved. In addition, this alteration is predicted to be tolerated by in silico analysis. Based on the available evidence, the clinical significance of this variant remains unclear.